The following is an entry in ClinVar:

ClinVar aggregate classification (germline): Pathogenic (1 of 4 stars; one submission).

Submission:

Labcorp Genetics (formerly Invitae), Labcorp
Classification: Pathogenic. Last evaluated: 2023-08-14. Review status: criteria provided, single submitter. Criteria: Invitae Variant Classification Sherloc (09022015). Collection method: clinical testing. Allele origin: germline.
Comment: For these reasons, this variant has been classified as Pathogenic. Algorithms developed to predict the effect of sequence changes on RNA splicing suggest that this variant may disrupt the consensus splice site. ClinVar contains an entry for this variant (Variation ID: 1070075). This variant has not been reported in the literature in individuals affected with LAMB3-related conditions. This variant is present in population databases (no rsID available, gnomAD 0.007%). This sequence change creates a premature translational stop signal (p.Thr142Aspfs*40) in the LAMB3 gene. It is expected to result in an absent or disrupted protein product. Loss-of-function variants in LAMB3 are known to be pathogenic (PMID: 11023379, 16473856).

Literature cited by the submitters: PubMed 11023379; PubMed 16473856.

NM_000228.3(LAMB3):c.422dup (p.Thr142fs)

Gene: LAMB3 (laminin subunit beta 3; minus strand). Cytogenetic location: 1q32.2.
Variant type: Duplication.
Coding change: c.422dup on transcript NM_000228.3 (MANE Select); coding-DNA position 422, one base duplicated (A; older notation c.422dupA).
Protein change: p.Thr142fs; shifts the reading frame from threonine 142.
Molecular consequence: frameshift variant.
Genome position (GRCh38, 1-based): chr1:209,634,589, T duplicated on the plus strand (A on the coding strand, the reverse complement: LAMB3 is on the minus strand); the first of 2 consecutive T bases (chr1:209,634,589-209,634,590); duplicating either gives the same sequence. VCF-style (leftmost placement, unchanged base first): chr1-209634588-C-CT. GRCh37 (hg19) VCF-style: chr1-209807933-C-CT.
Other names: c.422dup, p.Thr142fs (NM_001017402.2, NM_001127641.1); short protein forms T142fs.
Identifiers: ClinVar variation 1070075 (VCV001070075.7), dbSNP rs1455026782, ClinGen allele CA529000305.